The following is an entry in ClinVar:

ClinVar aggregate classification (germline): Uncertain significance (1 of 4 stars; one submission).

Allele frequency attached by ClinVar (database versions not stated): gnomAD exomes below 0.00001.

Submission:

Labcorp Genetics (formerly Invitae), Labcorp
Classification: Uncertain significance. Last evaluated: 2022-07-19. Review status: criteria provided, single submitter. Criteria: Invitae Variant Classification Sherloc (09022015). Collection method: clinical testing. Allele origin: germline.
Comment: Algorithms developed to predict the effect of missense changes on protein structure and function output the following: SIFT: "Tolerated"; PolyPhen-2: "Not Available"; Align-GVGD: "Class C0". The isoleucine amino acid residue is found in multiple mammalian species, which suggests that this missense change does not adversely affect protein function. In summary, the available evidence is currently insufficient to determine the role of this variant in disease. Therefore, it has been classified as a Variant of Uncertain Significance. This sequence change replaces threonine, which is neutral and polar, with isoleucine, which is neutral and non-polar, at codon 135 of the MRPS16 protein (p.Thr135Ile). This variant is not present in population databases (gnomAD no frequency). This variant has not been reported in the literature in individuals affected with MRPS16-related conditions.

NM_016065.4(MRPS16):c.404C>T (p.Thr135Ile)

Genes: DNAJC9-AS1 (DNAJC9 and MRPS16 antisense RNA 1; plus strand), MRPS16 (mitochondrial ribosomal protein S16; minus strand). Cytogenetic location: 10q22.2.
Variant type: single nucleotide variant.
Coding change: c.404C>T on transcript NM_016065.4 (MANE Select); coding-DNA position 404, C replaced by T.
Protein change: p.Thr135Ile; replaces threonine 135 with isoleucine.
Molecular consequence: missense variant.
Genome position (GRCh38, 1-based): chr10:73,250,862, G>A on the plus strand (C>T on the coding strand, the complement: MRPS16 is on the minus strand). VCF-style: chr10-73250862-G-A. GRCh37 (hg19) VCF-style: chr10-75010620-G-A.
Other names: short protein forms T135I.
Identifiers: ClinVar variation 2071509 (VCV002071509.4), dbSNP rs2493356534, ClinGen allele CA377191893.
Genomic context (GRCh38, chr10:73,250,862, plus strand): 5'-AAAGGACCTTGACCTTGTTCCCACTGCTATGCTCACTAAAGTCAGCTCATTTATGTTTCT[G>A]TAGCCTCTGTATCTGTAGCTTCTGCATCTGTTTTCTGAGAAGCTAACAGGACTTCACGTG-3'
Protein context (NP_057149.1, residues 125-137): TDAEATDTEA[Thr135Ile]ET